The following is an entry in ClinVar:

ClinVar aggregate classification (germline): Likely pathogenic. Review status: criteria provided, multiple submitters, no conflicts (2 of 4 stars). 3 submissions from 3 submitters: Likely pathogenic (2). 1 of the submissions does not count toward it. Last evaluated 2022-11-18.

Conditions:
Laryngo-onycho-cutaneous syndrome (JEB2C). Also called: LOGIC SYNDROME; EPIDERMOLYSIS BULLOSA, JUNCTIONAL 2C, LARYNGOONYCHOCUTANEOUS; SHABBIR SYNDROME. Identifiers: Orphanet 2407, MedGen C1328355, MONDO:0009513, OMIM 245660.
Epidermolysis bullosa, junctional 2A, intermediate. Also called: EPIDERMOLYSIS BULLOSA, JUNCTIONAL 2A, GENERALIZED INTERMEDIATE; EPIDERMOLYSIS BULLOSA, JUNCTIONAL 2A, NON-HERLITZ TYPE. Identifiers: MedGen C5676936, MONDO:0030746, OMIM 619783.
Epidermolysis bullosa, junctional 2B, severe. Also called: EPIDERMOLYSIS BULLOSA, JUNCTIONAL 2B, GENERALIZED SEVERE; EPIDERMOLYSIS BULLOSA, JUNCTIONAL 2B, HERLITZ TYPE. Identifiers: MedGen C5676937, MONDO:0030747, OMIM 619784.
Junctional epidermolysis bullosa gravis of Herlitz. Also called: EPIDERMOLYSIS BULLOSA JUNCTIONALIS, HERLITZ TYPE; EPIDERMOLYSIS BULLOSA, JUNCTIONAL, HERLITZ-PEARSON TYPE; JEB-HERLITZ TYPE; Epidermolysis Bullosa Letalis; Herlitz-type junctional epidermolysis bullosa; EPIDERMOLYSIS BULLOSA, JUNCTIONAL 1B, SEVERE. Identifiers: Orphanet 79404, MedGen C0079683, MONDO:0009182, OMIM 226700.

Allele frequency attached by ClinVar (database versions not stated): gnomAD exomes below 0.00001; TOPMed below 0.00001; gnomAD 0.00001.

Submissions (3):

Labcorp Genetics (formerly Invitae), Labcorp
Classification: Likely pathogenic. Last evaluated: 2022-11-18. Review status: criteria provided, single submitter. Criteria: Invitae Variant Classification Sherloc (09022015). Collection method: clinical testing. Allele origin: germline.
Comment: This sequence change affects a donor splice site in intron 18 of the LAMA3 gene. It is expected to disrupt RNA splicing. Variants that disrupt the donor or acceptor splice site typically lead to a loss of protein function (PMID: 16199547), and loss-of-function variants in LAMA3 are known to be pathogenic (PMID: 10366601, 11810295, 12915477, 16473856, 17362460, 22434185, 23869449, 27827380, 28087116). This variant is not present in population databases (gnomAD no frequency). This variant has not been reported in the literature in individuals affected with LAMA3-related conditions. ClinVar contains an entry for this variant (Variation ID: 370161). Algorithms developed to predict the effect of sequence changes on RNA splicing suggest that this variant may disrupt the consensus splice site. In summary, the currently available evidence indicates that the variant is pathogenic, but additional data are needed to prove that conclusively. Therefore, this variant has been classified as Likely Pathogenic.

Fulgent Genetics
Classification: Likely pathogenic for Junctional epidermolysis bullosa gravis of Herlitz; Laryngo-onycho-cutaneous syndrome; Epidermolysis bullosa, junctional 2A, intermediate; Epidermolysis bullosa, junctional 2B, severe. Last evaluated: 2021-07-16. Review status: criteria provided, single submitter. Criteria: ACMG Guidelines, 2015. Collection method: clinical testing. Allele origin: unknown.

Counsyl
Classification: Likely pathogenic for Junctional epidermolysis bullosa gravis of Herlitz. Last evaluated: 2015-12-11. Review status: no assertion criteria provided. Collection method: clinical testing. Allele origin: unknown. Not counted in ClinVar's aggregate classification.

Literature cited by the submitters: PubMed 16199547 (cited by Labcorp Genetics (formerly Invitae), Labcorp); PubMed 10366601 (cited by Labcorp Genetics (formerly Invitae), Labcorp); PubMed 11810295 (cited by Labcorp Genetics (formerly Invitae), Labcorp); PubMed 12915477 (cited by Labcorp Genetics (formerly Invitae), Labcorp); PubMed 16473856 (cited by Labcorp Genetics (formerly Invitae), Labcorp); PubMed 17362460 (cited by Labcorp Genetics (formerly Invitae), Labcorp); PubMed 22434185 (cited by Labcorp Genetics (formerly Invitae), Labcorp); PubMed 23869449 (cited by Labcorp Genetics (formerly Invitae), Labcorp); PubMed 27827380 (cited by Labcorp Genetics (formerly Invitae), Labcorp); PubMed 28087116 (cited by Labcorp Genetics (formerly Invitae), Labcorp).

NM_198129.4(LAMA3):c.7158+1G>A

Gene: LAMA3 (laminin subunit alpha 3; plus strand). Cytogenetic location: 18q11.2.
Variant type: single nucleotide variant.
Coding change: c.7158+1G>A on transcript NM_198129.4 (MANE Select); the canonical splice donor site of the intron after coding-DNA position 7158, G replaced by A.
Molecular consequence: splice donor variant.
Genome position (GRCh38, 1-based): chr18:23,909,296, G>A. VCF-style: chr18-23909296-G-A. GRCh37 (hg19) VCF-style: chr18-21489260-G-A.
Other names: c.6990+1G>A (NM_001127717.4); c.2331+1G>A (NM_000227.6); c.2163+1G>A (NM_001127718.4).
Identifiers: ClinVar variation 370161 (VCV000370161.7), dbSNP rs1057516279, ClinGen allele CA16041938.